The following is an entry in ClinVar:

ClinVar aggregate classification (germline): Uncertain significance. Review status: criteria provided, multiple submitters, no conflicts (2 of 4 stars). 2 submissions from 2 submitters: Uncertain significance (2). Last evaluated 2024-04-17.

Conditions:
Inborn genetic diseases. Identifiers: MedGen C0950123, MeSH D030342.

Allele frequency attached by ClinVar (database versions not stated): gnomAD 0.00001; gnomAD exomes 0.00001.
gnomAD v4.1: 13 of 1,613,892 alleles (0.00081%); highest among the groups gnomAD compares: South Asian, 0.0022%; no homozygotes.

Submissions (2):

Ambry Genetics
Classification: Uncertain significance for Inborn genetic diseases. Last evaluated: 2024-04-17. Review status: criteria provided, single submitter. Criteria: Ambry Variant Classification Scheme 2023. Collection method: clinical testing. Allele origin: germline.

Labcorp Genetics (formerly Invitae), Labcorp
Classification: Uncertain significance. Last evaluated: 2022-05-31. Review status: criteria provided, single submitter. Criteria: Invitae Variant Classification Sherloc (09022015). Collection method: clinical testing. Allele origin: germline.
Comment: In summary, the available evidence is currently insufficient to determine the role of this variant in disease. Therefore, it has been classified as a Variant of Uncertain Significance. Algorithms developed to predict the effect of missense changes on protein structure and function are either unavailable or do not agree on the potential impact of this missense change (SIFT: "Deleterious"; PolyPhen-2: "Benign"; Align-GVGD: "Class C0"). This variant has not been reported in the literature in individuals affected with DENND5A-related conditions. This variant is not present in population databases (gnomAD no frequency). This sequence change replaces arginine, which is basic and polar, with histidine, which is basic and polar, at codon 1265 of the DENND5A protein (p.Arg1265His).

NM_015213.4(DENND5A):c.3794G>A (p.Arg1265His)

Gene: DENND5A (DENN domain containing 5A; minus strand). Cytogenetic location: 11p15.4.
Variant type: single nucleotide variant.
Coding change: c.3794G>A on transcript NM_015213.4 (MANE Select); coding-DNA position 3794, G replaced by A.
Protein change: p.Arg1265His; replaces arginine 1265 with histidine.
Molecular consequence: missense variant. On other transcripts: 3 prime UTR variant (1), non-coding transcript variant (1).
Genome position (GRCh38, 1-based): chr11:9,139,741, C>T on the plus strand (G>A on the coding strand, the complement: DENND5A is on the minus strand). VCF-style: chr11-9139741-C-T. GRCh37 (hg19) VCF-style: chr11-9161288-C-T.
Other names: c.*34G>A (NM_001243254.2); c.3794G>A, p.Arg1265His (NM_001348748.1); c.3722G>A, p.Arg1241His (NM_001348749.2); c.3506G>A, p.Arg1169His (NM_001348750.2); c.3794G>A (NM_015213.3); short protein forms R1169H, R1241H, R1265H.
Identifiers: ClinVar variation 1909429 (VCV001909429.4), dbSNP rs1015518442, ClinGen allele CA217535226.